The following is an entry in ClinVar:

ClinVar aggregate classification (germline): Likely benign. Review status: criteria provided, multiple submitters, no conflicts (2 of 4 stars). 3 submissions from 3 submitters: Likely benign (2). 1 of the submissions does not count toward it. Last evaluated 2026-01-16.

Conditions:
MSMO1-related disorder. Also called: MSMO1-related condition.

Allele frequency attached by ClinVar (database versions not stated): 1000 Genomes Project 0.00080; 1000 Genomes Project 30x 0.00094; ExAC 0.00185; TOPMed 0.00195; gnomAD 0.00198 and 0.00203; gnomAD exomes 0.00199 and 0.00292; ESP Exome Variant Server 0.00261.
gnomAD v4.1: 4,559 of 1,613,800 alleles (0.28%); highest among the groups gnomAD compares: Non-Finnish European, 0.33%; 10 homozygotes.

Submissions (3):

Labcorp Genetics (formerly Invitae), Labcorp
Classification: Likely benign. Last evaluated: 2026-01-16. Review status: criteria provided, single submitter. Criteria: Invitae Variant Classification Sherloc (09022015). Collection method: clinical testing. Allele origin: germline.

Breakthrough Genomics
Classification: Likely benign. Review status: criteria provided, single submitter. Criteria: ACMG Guidelines, 2015. Collection method: not provided. Allele origin: germline. Inheritance: Autosomal recessive inheritance. Affected: yes.

PreventionGenetics, part of Exact Sciences
Classification: Benign for MSMO1-related condition. Last evaluated: 2019-06-21. Review status: no assertion criteria provided. Collection method: clinical testing. Allele origin: germline. Not counted in ClinVar's aggregate classification.
Comment: This variant is classified as benign based on ACMG/AMP sequence variant interpretation guidelines (Richards et al. 2015 PMID: 25741868, with internal and published modifications).

NM_006745.5(MSMO1):c.610G>A (p.Val204Met)

Gene: MSMO1 (methylsterol monooxygenase 1; plus strand). Cytogenetic location: 4q32.3.
Variant type: single nucleotide variant.
Coding change: c.610G>A on transcript NM_006745.5 (MANE Select); coding-DNA position 610, G replaced by A.
Protein change: p.Val204Met; replaces valine 204 with methionine.
Molecular consequence: missense variant.
Genome position (GRCh38, 1-based): chr4:165,340,299, G>A. VCF-style: chr4-165340299-G-A. GRCh37 (hg19) VCF-style: chr4-166261451-G-A.
Other names: c.217G>A, p.Val73Met (NM_001017369.3); short protein forms V73M, V204M.
Identifiers: ClinVar variation 731275 (VCV000731275.13), dbSNP rs142496142, ClinGen allele CA3130020.
Genomic context (GRCh38, chr4:165,340,299, plus strand): 5'-GCTGAATATGCACATCCTTTGGAGACTCTAATTCTTGGAACTGGATTTTTCATTGGAATC[G>A]TGCTTTTGTGTGATCATGTAATTCTTCTTTGGGCATGGGTGACCATTCGTTTATTAGAAA-3'
Protein context (NP_006736.1, residues 194-214): ILGTGFFIGI[Val204Met]LLCDHVILLW